The following is an entry in ClinVar:

NM_000158.4(GBE1):c.1680C>A (p.Tyr560Ter)

Gene: GBE1 (1,4-alpha-glucan branching enzyme 1; minus strand). Cytogenetic location: 3p12.2.
Variant type: single nucleotide variant.
Coding change: c.1680C>A on transcript NM_000158.4 (MANE Select); coding-DNA position 1680, C replaced by A.
Protein change: p.Tyr560Ter; replaces tyrosine 560 with a stop codon.
Molecular consequence: nonsense.
Genome position (GRCh38, 1-based): chr3:81,537,034, G>T on the plus strand (C>A on the coding strand, the complement: GBE1 is on the minus strand). VCF-style: chr3-81537034-G-T. GRCh37 (hg19) VCF-style: chr3-81586185-G-T.
Other names: short protein forms Y560*.
Identifiers: ClinVar variation 561269 (VCV000561269.3), dbSNP rs1559637815, ClinGen allele CA353686558.

ClinVar aggregate classification (germline): Likely pathogenic. Review status: criteria provided, multiple submitters, no conflicts (2 of 4 stars). 2 submissions from 2 submitters: Likely pathogenic (2). Last evaluated 2023-05-31.

Conditions:
Glycogen storage disease, type IV (GSD4). Also called: AMYLOPECTINOSIS; ANDERSEN DISEASE; BRANCHER DEFICIENCY; CIRRHOSIS, FAMILIAL, WITH DEPOSITION OF ABNORMAL GLYCOGEN; GBE1 DEFICIENCY; GLYCOGEN BRANCHING ENZYME DEFICIENCY. Identifiers: Orphanet 367, MedGen C0017923, MONDO:0009292, OMIM 232500.

Submissions (2):

Baylor Genetics
Classification: Likely pathogenic for Glycogen storage disease, type IV. Last evaluated: 2023-05-31. Review status: criteria provided, single submitter. Criteria: ACMG Guidelines, 2015. Collection method: clinical testing. Allele origin: unknown.

GeneID Lab - Advanced Molecular Diagnostics
Classification: Likely pathogenic for Glycogen storage disease, type IV. Last evaluated: 2018-03-10. Review status: criteria provided, single submitter. Criteria: ACMG Guidelines, 2015. Collection method: clinical testing. Allele origin: germline. Affected: no. Observed: 1 variant allele.
Comment: This variant results in a premature stop signal at position 560 of the GJB6 protein, noted as p.Tyr560Ter or p.Y560*. The substitution is predicted to result in a non-functional GBE1 protein, either through protein truncation or nonsense-mediated mRNA decay. This mutation is considered a non-tolerated amino acid change based on in silico prediction algorithms, and it has not been reported in the ClinVar Database (NCBI National Library of Medicine, NIH, Bethesda MD), or in population databases such as ExAC or 1000 genomes. Based on these findings and the limited literature regarding this substitution we consider it as a likely pathogenic variant.